The following is an entry in ClinVar:

NM_000138.5(FBN1):c.2253T>C (p.Asn751=)

Gene: FBN1 (fibrillin 1; minus strand). Cytogenetic location: 15q21.1.
Variant type: single nucleotide variant.
Coding change: c.2253T>C on transcript NM_000138.5 (MANE Select); coding-DNA position 2253, T replaced by C.
Protein change: p.Asn751=; no amino-acid change (asparagine 751 retained).
Molecular consequence: synonymous variant.
Genome position (GRCh38, 1-based): chr15:48,497,306, A>G on the plus strand (T>C on the coding strand, the complement: FBN1 is on the minus strand). VCF-style: chr15-48497306-A-G. GRCh37 (hg19) VCF-style: chr15-48789503-A-G.
Identifiers: ClinVar variation 626601 (VCV000626601.20), dbSNP rs1566912218, ClinGen allele CA490023610.

ClinVar aggregate classification (germline): Likely benign. Review status: criteria provided, multiple submitters, no conflicts (2 of 4 stars). 6 submissions from 6 submitters: Likely benign (6). Last evaluated 2025-09-29.

Conditions:
Familial thoracic aortic aneurysm and aortic dissection (TAAD). Also called: Thoracic aortic aneurysms and dissections. Identifiers: Orphanet 91387, MedGen C4707243, MONDO:0019625.
Marfan syndrome (MFS). Also called: FBN1-Related Marfan Syndrome; Marfan syndrome type 1; Marfan's syndrome; Marfan syndrome, classic; MARFAN SYNDROME, TYPE I. Identifiers: Orphanet 284963, Orphanet 558, MedGen C0024796, MONDO:0007947, OMIM 154700.

Allele frequency attached by ClinVar (database versions not stated): gnomAD exomes below 0.00001; TOPMed 0.00001; gnomAD 0.00001.

Submissions (6):

Labcorp Genetics (formerly Invitae), Labcorp
Classification: Likely benign for Marfan syndrome; Familial thoracic aortic aneurysm and aortic dissection. Last evaluated: 2025-09-29. Review status: criteria provided, single submitter. Criteria: Invitae Variant Classification Sherloc (09022015). Collection method: clinical testing. Allele origin: germline.

Molecular Diagnostic Laboratory for Inherited Cardiovascular Disease, Montreal Heart Institute
Classification: Likely benign. Last evaluated: 2025-04-09. Review status: criteria provided, single submitter. Criteria: ACMG Guidelines, 2015. Collection method: clinical testing. Allele origin: germline. Affected: no.
Comment: BP6;BP7

Ambry Genetics
Classification: Likely benign for Familial thoracic aortic aneurysm and aortic dissection. Last evaluated: 2024-05-05. Review status: criteria provided, single submitter. Criteria: Ambry Variant Classification Scheme 2023. Collection method: clinical testing. Allele origin: germline.

Color Diagnostics, LLC DBA Color Health
Classification: Likely benign for Familial thoracic aortic aneurysm and aortic dissection. Last evaluated: 2024-02-06. Review status: criteria provided, single submitter. Criteria: ACMG Guidelines, 2015. Collection method: clinical testing. Allele origin: germline.

ARUP Laboratories, Molecular Genetics and Genomics, ARUP Laboratories
Classification: Likely benign. Last evaluated: 2018-08-23. Review status: criteria provided, single submitter. Criteria: ARUP Molecular Germline Variant Investigation Process. Collection method: clinical testing. Allele origin: germline.

CHEO Genetics Diagnostic Laboratory, Children's Hospital of Eastern Ontario
Classification: Likely benign for Familial thoracic aortic aneurysm and aortic dissection. Last evaluated: 2017-10-25. Review status: criteria provided, single submitter. Criteria: ACMG Guidelines, 2015. Collection method: clinical testing. Allele origin: germline. Study: Canadian Open Genetics Repository.